The following is an entry in ClinVar:

ClinVar aggregate classification (germline): Uncertain significance. Review status: criteria provided, multiple submitters, no conflicts (2 of 4 stars). 3 submissions from 3 submitters: Uncertain significance (3). Last evaluated 2026-04-14.

Conditions:
Familial intrahepatic cholestasis. Identifiers: Orphanet 284385, MedGen CN296401, MONDO:0017290.
Low phospholipid associated cholelithiasis (GBD1). Also called: Gallstone cholecystitis; Gallbladder disease 1. Identifiers: Orphanet 69663, MedGen C2609268, MONDO:0010939, OMIM 600803.

Submissions (3):

Genomenon, Inc
Classification: Uncertain significance for Familial intrahepatic cholestasis; Low phospholipid associated cholelithiasis. Last evaluated: 2026-04-14. Review status: criteria provided, single submitter. Criteria: Genomenon Sequence Variant Interpretation Standards - Updated. Collection method: curation. Allele origin: germline. Affected: no.
Comment: ABCB4 p.Gly634Glu (c.1901G>A) is a missense variant that changes the amino acid at residue 634 from Glycine to Glutamic acid. This variant has been reported in the published literature (PMID:26324191). It is absent or not present at a significant frequency in gnomAD. In silico models predict that this variant is not damaging. In conclusion, we classify ABCB4 p.Gly634Glu (c.1901G>A) as a variant of uncertain significance.

Women's Health and Genetics/Laboratory Corporation of America, LabCorp
Classification: Uncertain significance. Last evaluated: 2025-07-17. Review status: criteria provided, single submitter. Criteria: LabCorp Variant Classification Summary - May 2015. Collection method: clinical testing. Allele origin: germline.
Comment: Variant summary: ABCB4 c.1901G>A (p.Gly634Glu) results in a non-conservative amino acid change in the encoded protein sequence. Algorithms developed to predict the effect of missense changes on protein structure and function are either unavailable or do not agree on the potential impact of this missense change. The variant was absent in 249702 control chromosomes. The available data on variant occurrences in the general population are insufficient to allow any conclusion about variant significance. c.1901G>A has been observed in individual(s) affected with primary sclerosing cholangitis (Degiorgio_2016). These data do not allow any conclusion about variant significance. To our knowledge, no experimental evidence demonstrating an impact on protein function has been reported. The following publication has been ascertained in the context of this evaluation (PMID: 26324191). ClinVar contains an entry for this variant (Variation ID: 3720756). Based on the evidence outlined above, the variant was classified as uncertain significance.

Labcorp Genetics (formerly Invitae), Labcorp
Classification: Uncertain significance. Last evaluated: 2024-12-07. Review status: criteria provided, single submitter. Criteria: Invitae Variant Classification Sherloc (09022015). Collection method: clinical testing. Allele origin: germline.
Comment: This sequence change replaces glycine, which is neutral and non-polar, with glutamic acid, which is acidic and polar, at codon 634 of the ABCB4 protein (p.Gly634Glu). This variant is not present in population databases (gnomAD no frequency). This missense change has been observed in individual(s) with primary sclerosing cholangitis (PMID: 26324191). An algorithm developed to predict the effect of missense changes on protein structure and function outputs the following: PolyPhen-2: "Benign". The glutamic acid amino acid residue is found in multiple mammalian species, which suggests that this missense change does not adversely affect protein function. In summary, the available evidence is currently insufficient to determine the role of this variant in disease. Therefore, it has been classified as a Variant of Uncertain Significance.

Literature cited by the submitters: PubMed 26324191 (cited by 3 submitters).

NM_000443.4(ABCB4):c.1901G>A (p.Gly634Glu)

Gene: ABCB4 (ATP binding cassette subfamily B member 4; minus strand). Cytogenetic location: 7q21.12.
Variant type: single nucleotide variant.
Coding change: c.1901G>A on transcript NM_000443.4 (MANE Select); coding-DNA position 1901, G replaced by A.
Protein change: p.Gly634Glu; replaces glycine 634 with glutamic acid.
Molecular consequence: missense variant.
Genome position (GRCh38, 1-based): chr7:87,426,913, C>T on the plus strand (G>A on the coding strand, the complement: ABCB4 is on the minus strand). VCF-style: chr7-87426913-C-T. GRCh37 (hg19) VCF-style: chr7-87056229-C-T.
Other names: c.1901G>A, p.Gly634Glu (NM_018849.3, NM_018850.3); short protein forms G634E.
Identifiers: ClinVar variation 3720756 (VCV003720756.4).
Genomic context (GRCh38, chr7:87,426,913, plus strand): 5'-GCCATTCTAGTGGCAGCCTTTTCATCATTTAGTTCAAATTCTTCTGACTGGATCTGGCTT[C>T]CTGATGTCTGAAAGAATATCAAGACATTAAAGTGTGTGTGTGTGTGTGTGTGTGTGTGTG-3'
Protein context (NP_000434.1, residues 624-644): YFKLVNMQTS[Gly634Glu]SQIQSEEFEL